The following is an entry in ClinVar:

ClinVar aggregate classification (germline): Uncertain significance. Review status: criteria provided, multiple submitters, no conflicts (2 of 4 stars). 2 submissions from 2 submitters: Uncertain significance (2). Last evaluated 2023-12-04.

Conditions:
Familial adenomatous polyposis 1 (FAP1). Also called: FAMILIAL ADENOMATOUS POLYPOSIS 1, ATTENUATED; POLYPOSIS, ADENOMATOUS INTESTINAL. Identifiers: MedGen C2713442, MONDO:0021056, OMIM 175100. Disease mechanism: loss of function.
Hereditary cancer-predisposing syndrome. Also called: Tumor predisposition; Hereditary Cancer Syndrome; Hereditary neoplastic syndrome; Neoplastic Syndromes, Hereditary. Identifiers: Orphanet 140162, MedGen C0027672, MeSH D009386, MONDO:0015356.

Allele frequency attached by ClinVar (database versions not stated): gnomAD exomes below 0.00001.
gnomAD v4.1: 2 of 1,614,214 alleles (0.00012%); highest among the groups gnomAD compares: African/African-American, 0.0013%; no homozygotes.

Submissions (2):

Color Diagnostics, LLC DBA Color Health
Classification: Uncertain significance for Hereditary cancer-predisposing syndrome. Last evaluated: 2023-12-04. Review status: criteria provided, single submitter. Criteria: ACMG Guidelines, 2015. Collection method: clinical testing. Allele origin: germline.
Comment: This missense variant replaces histidine with arginine at codon 931 of the APC protein. Computational prediction suggests that this variant may not impact protein structure and function (internally defined REVEL score threshold <= 0.5, PMID: 27666373). To our knowledge, functional studies have not been reported for this variant. This variant has not been reported in individuals affected with APC-related disorders in the literature. This variant has not been identified in the general population by the Genome Aggregation Database (gnomAD). The available evidence is insufficient to determine the role of this variant in disease conclusively. Therefore, this variant is classified as a Variant of Uncertain Significance.

Labcorp Genetics (formerly Invitae), Labcorp
Classification: Uncertain significance for Familial adenomatous polyposis 1. Last evaluated: 2022-08-06. Review status: criteria provided, single submitter. Criteria: Invitae Variant Classification Sherloc (09022015). Collection method: clinical testing. Allele origin: germline.
Comment: In summary, the available evidence is currently insufficient to determine the role of this variant in disease. Therefore, it has been classified as a Variant of Uncertain Significance. Algorithms developed to predict the effect of missense changes on protein structure and function are either unavailable or do not agree on the potential impact of this missense change (SIFT: "Deleterious"; PolyPhen-2: "Benign"; Align-GVGD: "Class C0"). ClinVar contains an entry for this variant (Variation ID: 537556). This variant has not been reported in the literature in individuals affected with APC-related conditions. This variant is not present in population databases (gnomAD no frequency). This sequence change replaces histidine, which is basic and polar, with arginine, which is basic and polar, at codon 931 of the APC protein (p.His931Arg).

NM_000038.6(APC):c.2792A>G (p.His931Arg)

Gene: APC (APC regulator of Wnt signaling pathway; plus strand). Cytogenetic location: 5q22.2.
Variant type: single nucleotide variant.
Coding change: c.2792A>G on transcript NM_000038.6 (MANE Select); coding-DNA position 2792, A replaced by G.
Protein change: p.His931Arg; replaces histidine 931 with arginine.
Molecular consequence: missense variant.
Genome position (GRCh38, 1-based): chr5:112,838,386, A>G. VCF-style: chr5-112838386-A-G. GRCh37 (hg19) VCF-style: chr5-112174083-A-G.
Other names: c.2792A>G, p.His931Arg (NM_001127510.3, NM_001354895.2); c.2738A>G, p.His913Arg (NM_001127511.3); c.2846A>G, p.His949Arg (NM_001354896.2); c.2822A>G, p.His941Arg (NM_001354897.2); c.2717A>G, p.His906Arg (NM_001354898.2); c.2708A>G, p.His903Arg (NM_001354899.2); c.2669A>G, p.His890Arg (NM_001354900.2); c.2615A>G, p.His872Arg (NM_001354901.2); and 5 more; short protein forms H913R, H931R, H771R, H830R, H906R, H941R, H648R, H872R.
Identifiers: ClinVar variation 537556 (VCV000537556.13), dbSNP rs1554084461, ClinGen allele CA16027420.
Genomic context (GRCh38, chr5:112,838,386, plus strand): 5'-AATTACATTGTGTGACAGATGAGAGAAATGCACTTAGAAGAAGCTCTGCTGCCCATACAC[A>G]TTCAAACACTTACAATTTCACTAAGTCGGAAAATTCAAATAGGACATGTTCTATGCCTTA-3'
Protein context (NP_000029.2, residues 921-941): ALRRSSAAHT[His931Arg]SNTYNFTKSE